The following is an entry in ClinVar:

ClinVar aggregate classification (germline): Uncertain significance (1 of 4 stars; one submission).

Conditions:
KSR2-related disorder. Also called: KSR2-related condition.

Submission:

PreventionGenetics, part of Exact Sciences
Classification: Uncertain significance for KSR2-related condition. Last evaluated: 2025-11-14. Review status: criteria provided, single submitter. Criteria: ACMG Guidelines, 2015. Collection method: clinical testing. Allele origin: germline.
Comment: The KSR2 c.1505C>A variant is predicted to result in premature protein termination (p.Ser502*). To our knowledge, this variant has not been reported in the literature or in a large population database (gnomAD), indicating this variant is rare. Although we suspect that this variant may be pathogenic, at this time, the clinical significance of this variant is uncertain due to the absence of conclusive functional and genetic evidence.

NM_173598.6(KSR2):c.1592C>A (p.Ser531Ter)

Gene: KSR2 (kinase suppressor of ras 2; minus strand). Cytogenetic location: 12q24.22.
Variant type: single nucleotide variant.
Coding change: c.1592C>A on transcript NM_173598.6 (MANE Select); coding-DNA position 1592, C replaced by A.
Protein change: p.Ser531Ter; replaces serine 531 with a stop codon.
Molecular consequence: nonsense.
Genome position (GRCh38, 1-based): chr12:117,539,814, G>T on the plus strand (C>A on the coding strand, the complement: KSR2 is on the minus strand). VCF-style: chr12-117539814-G-T. GRCh37 (hg19) VCF-style: chr12-117977619-G-T.
Other names: short protein forms S531*.
Identifiers: ClinVar variation 4995367 (VCV004995367.1).